The following is an entry in ClinVar:

ClinVar aggregate classification (germline): Uncertain significance (1 of 4 stars; one submission).

Allele frequency attached by ClinVar (database versions not stated): gnomAD exomes below 0.00001; TOPMed below 0.00001; gnomAD 0.00001; 1000 Genomes Project 30x 0.00016; 1000 Genomes Project 0.00020.
gnomAD v4.1: 6 of 1,605,132 alleles (0.00037%); highest among the groups gnomAD compares: East Asian, 0.011%; no homozygotes.

Submission:

Labcorp Genetics (formerly Invitae), Labcorp
Classification: Uncertain significance. Last evaluated: 2023-12-30. Review status: criteria provided, single submitter. Criteria: Invitae Variant Classification Sherloc (09022015). Collection method: clinical testing. Allele origin: germline.
Comment: This sequence change replaces arginine, which is basic and polar, with methionine, which is neutral and non-polar, at codon 95 of the ERBIN protein (p.Arg95Met). The frequency data for this variant in the population databases is considered unreliable, as metrics indicate poor data quality at this position in the gnomAD database. This variant has not been reported in the literature in individuals affected with ERBIN-related conditions. An algorithm developed to predict the effect of missense changes on protein structure and function (PolyPhen-2) suggests that this variant is likely to be disruptive. In summary, the available evidence is currently insufficient to determine the role of this variant in disease. Therefore, it has been classified as a Variant of Uncertain Significance.

NM_001253697.2(ERBIN):c.284G>T (p.Arg95Met)

Gene: ERBIN (erbb2 interacting protein; plus strand). Cytogenetic location: 5q12.3.
Variant type: single nucleotide variant.
Coding change: c.284G>T on transcript NM_001253697.2 (MANE Select); coding-DNA position 284, G replaced by T.
Protein change: p.Arg95Met; replaces arginine 95 with methionine.
Molecular consequence: missense variant.
Genome position (GRCh38, 1-based): chr5:65,994,841, G>T. VCF-style: chr5-65994841-G-T. GRCh37 (hg19) VCF-style: chr5-65290669-G-T.
Other names: c.284G>T, p.Arg95Met (NM_001006600.3, NM_001253698.2, NM_001253699.2 and 2 more transcripts); short protein forms R95M.
Identifiers: ClinVar variation 2957276 (VCV002957276.3), dbSNP rs534110623, ClinGen allele CA120403420.